The following is an entry in ClinVar:

NM_004973.4(JARID2):c.254C>G (p.Ala85Gly)

Gene: JARID2 (jumonji and AT-rich interaction domain containing 2; plus strand). Cytogenetic location: 6p22.3.
Variant type: single nucleotide variant.
Coding change: c.254C>G on transcript NM_004973.4 (MANE Select); coding-DNA position 254, C replaced by G.
Protein change: p.Ala85Gly; replaces alanine 85 with glycine.
Molecular consequence: missense variant. On other transcripts: 5 prime UTR variant (1).
Genome position (GRCh38, 1-based): chr6:15,410,296, C>G. VCF-style: chr6-15410296-C-G. GRCh37 (hg19) VCF-style: chr6-15410527-C-G.
Other names: c.-263C>G (NM_001267040.1); short protein forms A85G.
Identifiers: ClinVar variation 4536169 (VCV004536169.1).

ClinVar aggregate classification (germline): Uncertain significance (1 of 4 stars; one submission).

Submission:

GeneDx
Classification: Uncertain significance. Last evaluated: 2025-06-05. Review status: criteria provided, single submitter. Criteria: GeneDx Variant Classification Process June 2021. Collection method: clinical testing. Allele origin: germline. Affected: yes.
Comment: Not observed at significant frequency in large population cohorts (gnomAD); In silico analysis suggests that this missense variant does not alter protein structure/function; Has not been previously published as pathogenic or benign to our knowledge